The following is an entry in ClinVar:

NM_001042545.2(LTBP4):c.1291T>A (p.Ser431Thr)

Gene: LTBP4 (latent transforming growth factor beta binding protein 4; plus strand). Cytogenetic location: 19q13.2.
Variant type: single nucleotide variant.
Coding change: c.1291T>A on transcript NM_001042545.2 (MANE Select); coding-DNA position 1291, T replaced by A.
Protein change: p.Ser431Thr; replaces serine 431 with threonine.
Molecular consequence: missense variant.
Genome position (GRCh38, 1-based): chr19:40,608,354, T>A. VCF-style: chr19-40608354-T-A. GRCh37 (hg19) VCF-style: chr19-41114260-T-A.
Other names: c.1492T>A, p.Ser498Thr (NM_001042544.1); c.1381T>A, p.Ser461Thr (NM_003573.2); short protein forms S431T, S461T, S498T.
Identifiers: ClinVar variation 1694918 (VCV001694918.31), dbSNP rs761652593, ClinGen allele CA9448240.

ClinVar aggregate classification (germline): Uncertain significance (1 of 4 stars; one submission).

Allele frequency attached by ClinVar (database versions not stated): gnomAD exomes below 0.00001 and 0.00001; gnomAD 0.00001.
gnomAD v4.1: 15 of 1,612,860 alleles (0.00093%); highest among the groups gnomAD compares: Non-Finnish European, 0.00085%; no homozygotes.

Submission:

CeGaT Center for Human Genetics Tuebingen
Classification: Uncertain significance. Last evaluated: 2022-05-01. Review status: criteria provided, single submitter. Criteria: CeGaT Center For Human Genetics Tuebingen Variant Classification Criteria Version 2. Collection method: clinical testing. Allele origin: germline. Affected: yes. Observed: 1 variant allele.
Comment: LTBP4: PM2, BP4